The following is an entry in ClinVar:

NM_003737.4(DCHS1):c.9052C>G (p.Pro3018Ala)

Gene: DCHS1 (dachsous cadherin-related 1; minus strand). Cytogenetic location: 11p15.4.
Variant type: single nucleotide variant.
Coding change: c.9052C>G on transcript NM_003737.4 (MANE Select); coding-DNA position 9052, C replaced by G.
Protein change: p.Pro3018Ala; replaces proline 3018 with alanine.
Molecular consequence: missense variant.
Genome position (GRCh38, 1-based): chr11:6,622,624, G>C on the plus strand (C>G on the coding strand, the complement: DCHS1 is on the minus strand). VCF-style: chr11-6622624-G-C. GRCh37 (hg19) VCF-style: chr11-6643855-G-C.
Other names: short protein forms P3018A.
Identifiers: ClinVar variation 4768217 (VCV004768217.1).
Genomic context (GRCh38, chr11:6,622,624, plus strand): 5'-CCTCTGCTGATCCTCGGCCACTTGAATGTGAAGGGTCCAAGGAGCCACCACGGGGGTAGG[G>C]TCCTCCAGCTCCTGGCCCACCATAGCTGGGAAGAGTCTGGTGATAGAGGTGCTCAGAGGG-3'
Protein context (NP_003728.1, residues 3008-3028): PSYGGPGAGG[Pro3018Ala]YPRGGSLDPS

ClinVar aggregate classification (germline): Uncertain significance (1 of 4 stars; one submission).

gnomAD v4.1: 17 of 1,584,806 alleles (0.0011%); highest among the groups gnomAD compares: Non-Finnish European, 0.0015%; no homozygotes.

Submission:

Labcorp Genetics (formerly Invitae), Labcorp
Classification: Uncertain significance. Last evaluated: 2025-12-01. Review status: criteria provided, single submitter. Criteria: Invitae Variant Classification Sherloc (09022015). Collection method: clinical testing. Allele origin: germline.
Comment: This sequence change replaces proline, which is neutral and non-polar, with alanine, which is neutral and non-polar, at codon 3018 of the DCHS1 protein (p.Pro3018Ala). This variant is present in population databases (no rsID available, gnomAD 0.001%). This variant has not been reported in the literature in individuals affected with DCHS1-related conditions. Invitae Evidence Modeling of protein sequence and biophysical properties (such as structural, functional, and spatial information, amino acid conservation, physicochemical variation, residue mobility, and thermodynamic stability) indicates that this missense variant is not expected to disrupt DCHS1 protein function with a negative predictive value of 80%. In summary, the available evidence is currently insufficient to determine the role of this variant in disease. Therefore, it has been classified as a Variant of Uncertain Significance.